The following is an entry in ClinVar:

NM_003737.4(DCHS1):c.3329C>T (p.Thr1110Ile)

Gene: DCHS1 (dachsous cadherin-related 1; minus strand). Cytogenetic location: 11p15.4.
Variant type: single nucleotide variant.
Coding change: c.3329C>T on transcript NM_003737.4 (MANE Select); coding-DNA position 3329, C replaced by T.
Protein change: p.Thr1110Ile; replaces threonine 1110 with isoleucine.
Molecular consequence: missense variant.
Genome position (GRCh38, 1-based): chr11:6,632,183, G>A on the plus strand (C>T on the coding strand, the complement: DCHS1 is on the minus strand). VCF-style: chr11-6632183-G-A. GRCh37 (hg19) VCF-style: chr11-6653414-G-A.
Other names: short protein forms T1110I.
Identifiers: ClinVar variation 4882661 (VCV004882661.2).

ClinVar aggregate classification (germline): Uncertain significance (1 of 4 stars; one submission).

Submission:

Dasa
Classification: Uncertain significance. Last evaluated: 2025-04-05. Review status: criteria provided, single submitter. Criteria: DASA Assertion Criteria. Collection method: clinical testing. Allele origin: germline.
Comment: NM_003737.4(DCHS1):c.3329C>T (p.Thr1110Ile) is a missense variant that results in the substitution of threonine with isoleucine. This variant is rare in population databases. Computational prediction algorithms are consistent with a benign effect. The currently available literature and clinical evidence are not sufficient to establish a definitive association between this variant and the reported condition. Therefore, this variant is classified as a variant of uncertain significance.